The following is an entry in ClinVar:

ClinVar aggregate classification (germline): Uncertain significance (1 of 4 stars; one submission).

Conditions:
Cranioectodermal dysplasia 2 (CED2). Identifiers: Orphanet 1515, MedGen C3150874, MONDO:0013323, OMIM 613610.
Short-rib thoracic dysplasia 7 with or without polydactyly (SRTD7). Also called: Short rib polydactyly syndrome 5; SHORT-RIB THORACIC DYSPLASIA 7 WITH POLYDACTYLY. Identifiers: Orphanet 498497, Orphanet 93271, MedGen C3279792, MONDO:0013569, OMIM 614091.

Allele frequency attached by ClinVar (database versions not stated): gnomAD exomes below 0.00001; TOPMed below 0.00001; ExAC 0.00001.
gnomAD v4.1: 6 of 1,608,696 alleles (0.00037%); highest among the groups gnomAD compares: Non-Finnish European, 0.00051%; no homozygotes.

Submission:

Labcorp Genetics (formerly Invitae), Labcorp
Classification: Uncertain significance for Cranioectodermal dysplasia 2; Short-rib thoracic dysplasia 7 with or without polydactyly. Last evaluated: 2023-06-10. Review status: criteria provided, single submitter. Criteria: Invitae Variant Classification Sherloc (09022015). Collection method: clinical testing. Allele origin: germline.
Comment: In summary, the available evidence is currently insufficient to determine the role of this variant in disease. Therefore, it has been classified as a Variant of Uncertain Significance. This sequence change replaces serine, which is neutral and polar, with leucine, which is neutral and non-polar, at codon 998 of the WDR35 protein (p.Ser998Leu). This variant is present in population databases (rs750968053, gnomAD 0.0009%). This variant has not been reported in the literature in individuals affected with WDR35-related conditions. ClinVar contains an entry for this variant (Variation ID: 1489873). Advanced modeling of protein sequence and biophysical properties (such as structural, functional, and spatial information, amino acid conservation, physicochemical variation, residue mobility, and thermodynamic stability) performed at Invitae indicates that this missense variant is not expected to disrupt WDR35 protein function.

NM_020779.4(WDR35):c.2960C>T (p.Ser987Leu)

Gene: WDR35 (WD repeat domain 35; minus strand). Cytogenetic location: 2p24.1.
Variant type: single nucleotide variant.
Coding change: c.2960C>T on transcript NM_020779.4 (MANE Select); coding-DNA position 2960, C replaced by T.
Protein change: p.Ser987Leu; replaces serine 987 with leucine.
Molecular consequence: missense variant.
Genome position (GRCh38, 1-based): chr2:19,931,273, G>A on the plus strand (C>T on the coding strand, the complement: WDR35 is on the minus strand). VCF-style: chr2-19931273-G-A. GRCh37 (hg19) VCF-style: chr2-20131034-G-A.
Other names: c.2993C>T, p.Ser998Leu (NM_001006657.2); short protein forms S998L, S987L.
Identifiers: ClinVar variation 1489873 (VCV001489873.8), dbSNP rs750968053, ClinGen allele CA1542798.